The following is an entry in ClinVar:

NM_000516.7(GNAS):c.570T>C (p.Tyr190=)

Gene: GNAS (GNAS complex locus; plus strand). Cytogenetic location: 20q13.32.
Variant type: single nucleotide variant.
Coding change: c.570T>C on transcript NM_000516.7 (MANE Select); coding-DNA position 570, T replaced by C.
Protein change: p.Tyr190=; no amino-acid change (tyrosine 190 retained).
Molecular consequence: synonymous variant. On other transcripts: 3 prime UTR variant (2).
Genome position (GRCh38, 1-based): chr20:58,909,201, T>C. VCF-style: chr20-58909201-T-C. GRCh37 (hg19) VCF-style: chr20-57484256-T-C.
Other names: c.573T>C, p.Tyr191= (NM_001077488.5); c.525T>C, p.Tyr175= (NM_001077489.4); c.*431T>C (NM_001077490.3); c.393T>C, p.Tyr131= (NM_001309840.2, NM_001309861.2); c.*476T>C (NM_016592.5); c.2499T>C, p.Tyr833= (NM_080425.4); c.528T>C, p.Tyr176= (NM_080426.4); c.570T>C (NM_000516.5).
Identifiers: ClinVar variation 1602427 (VCV001602427.10), dbSNP rs758272654, ClinGen allele CA9927148.

ClinVar aggregate classification (germline): Likely benign. Review status: criteria provided, multiple submitters, no conflicts (2 of 4 stars). 3 submissions from 3 submitters: Likely benign (3). Last evaluated 2025-06-26.

Conditions:
GNAS-related disorder. Identifiers: MedGen CN380105.

Allele frequency attached by ClinVar (database versions not stated): gnomAD exomes below 0.00001; TOPMed below 0.00001; ExAC 0.00001; gnomAD 0.00001.
gnomAD v4.1: 7 of 1,614,066 alleles (0.00043%); highest among the groups gnomAD compares: Non-Finnish European, 0.00059%; no homozygotes.

Submissions (3):

PreventionGenetics, part of Exact Sciences
Classification: Likely benign for GNAS-related condition. Last evaluated: 2025-06-26. Review status: criteria provided, single submitter. Criteria: ACMG Guidelines, 2015. Collection method: clinical testing. Allele origin: germline.
Comment: This variant is classified as likely benign based on ACMG/AMP sequence variant interpretation guidelines (Richards et al. 2015 PMID: 25741868, with internal and published modifications).

Women's Health and Genetics/Laboratory Corporation of America, LabCorp
Classification: Likely benign. Last evaluated: 2024-11-05. Review status: criteria provided, single submitter. Criteria: LabCorp Variant Classification Summary - May 2015. Collection method: clinical testing. Allele origin: germline.

Labcorp Genetics (formerly Invitae), Labcorp
Classification: Likely benign. Last evaluated: 2021-09-09. Review status: criteria provided, single submitter. Criteria: Invitae Variant Classification Sherloc (09022015). Collection method: clinical testing. Allele origin: germline.